The following is an entry in ClinVar:

ClinVar aggregate classification (germline): Conflicting classifications of pathogenicity. Review status: criteria provided, conflicting classifications (1 of 4 stars). 2 submissions from 2 submitters: Uncertain significance (1); Likely benign (1). Last evaluated 2025-04-07.

Conditions:
Hereditary cancer-predisposing syndrome. Also called: Neoplastic Syndromes, Hereditary; Tumor predisposition; Hereditary Cancer Syndrome; Hereditary neoplastic syndrome. Identifiers: Orphanet 140162, MedGen C0027672, MeSH D009386, MONDO:0015356.

Allele frequency attached by ClinVar (database versions not stated): gnomAD exomes below 0.00001; gnomAD 0.00001; TOPMed 0.00001.
gnomAD v4.1: 3 of 1,607,980 alleles (0.00019%); highest among the groups gnomAD compares: Non-Finnish European, 0.00025%; no homozygotes.

Submissions (2):

Labcorp Genetics (formerly Invitae), Labcorp
Classification: Uncertain significance for Hereditary cancer-predisposing syndrome. Last evaluated: 2025-04-07. Review status: criteria provided, single submitter. Criteria: Invitae Variant Classification Sherloc (09022015). Collection method: clinical testing. Allele origin: germline.
Comment: This sequence change replaces threonine, which is neutral and polar, with serine, which is neutral and polar, at codon 61 of the RAD50 protein (p.Thr61Ser). This variant is present in population databases (rs587781608, gnomAD 0.007%). This variant has not been reported in the literature in individuals affected with RAD50-related conditions. ClinVar contains an entry for this variant (Variation ID: 141257). Invitae Evidence Modeling of protein sequence and biophysical properties (such as structural, functional, and spatial information, amino acid conservation, physicochemical variation, residue mobility, and thermodynamic stability) indicates that this missense variant is not expected to disrupt RAD50 protein function with a negative predictive value of 80%. In summary, the available evidence is currently insufficient to determine the role of this variant in disease. Therefore, it has been classified as a Variant of Uncertain Significance.

Ambry Genetics
Classification: Likely benign for Hereditary cancer-predisposing syndrome. Last evaluated: 2024-03-28. Review status: criteria provided, single submitter. Criteria: Ambry Variant Classification Scheme 2023. Collection method: clinical testing. Allele origin: germline.

NM_005732.4(RAD50):c.182C>G (p.Thr61Ser)

Gene: RAD50 (RAD50 double strand break repair protein; plus strand). Cytogenetic location: 5q31.1.
Variant type: single nucleotide variant.
Coding change: c.182C>G on transcript NM_005732.4 (MANE Select); coding-DNA position 182, C replaced by G.
Protein change: p.Thr61Ser; replaces threonine 61 with serine.
Molecular consequence: missense variant.
Genome position (GRCh38, 1-based): chr5:132,559,336, C>G. VCF-style: chr5-132559336-C-G. GRCh37 (hg19) VCF-style: chr5-131895028-C-G.
Other names: short protein forms T61S.
Identifiers: ClinVar variation 141257 (VCV000141257.14), dbSNP rs587781608, ClinGen allele CA164936.